The following is an entry in ClinVar:

ClinVar aggregate classification (germline): Uncertain significance (1 of 4 stars; one submission).

Conditions:
Polycystic kidney disease, adult type (PKD1). Also called: POLYCYSTIC KIDNEY DISEASE, ADULT, TYPE I; Polycystic Kidney Disease 1, Autosomal Dominant; Polycystic kidney disease 1; Polycystic kidney disease 1, severe; Polycystic Kidney, Autosomal Dominant; POLYCYSTIC KIDNEY DISEASE 1 WITH OR WITHOUT POLYCYSTIC LIVER DISEASE. Identifiers: MedGen C3149841, MONDO:0008263, OMIM 173900.

Submission:

Juno Genomics, Hangzhou Juno Genomics, Inc
Classification: Uncertain significance for Polycystic kidney disease, adult type. Review status: criteria provided, single submitter. Criteria: ACMG Guidelines, 2015. Collection method: clinical testing. Allele origin: germline. Affected: yes.
Comment: Absent from controls (or at extremely low frequency if recessive) in Genome Aggregation Database, Exome Sequencing Project, 1000 Genomes Project, or Exome Aggregation Consortium.;Patient's phenotype or family history is highly specific for a disease with a single genetic etiology.

NM_001009944.3(PKD1):c.10405G>C (p.Asp3469His)

Gene: PKD1 (polycystin 1, transient receptor potential channel interacting; minus strand). Cytogenetic location: 16p13.3.
Variant type: single nucleotide variant.
Coding change: c.10405G>C on transcript NM_001009944.3 (MANE Select); coding-DNA position 10405, G replaced by C.
Protein change: p.Asp3469His; replaces aspartic acid 3469 with histidine.
Molecular consequence: missense variant.
Genome position (GRCh38, 1-based): chr16:2,097,319, C>G on the plus strand (G>C on the coding strand, the complement: PKD1 is on the minus strand). VCF-style: chr16-2097319-C-G. GRCh37 (hg19) VCF-style: chr16-2147320-C-G.
Other names: c.10402G>C, p.Asp3468His (NM_000296.4); short protein forms D3468H, D3469H.
Identifiers: ClinVar variation 3382077 (VCV003382077.2).
Genomic context (GRCh38, chr16:2,097,319, plus strand): 5'-ATAGGGTGGGCCCAGCTGCAAGGGTGAGCTTCAGAGCCCCCTCCTCTCACCCCAGCTCAC[C>G]TGATGCTGAGAAGGATTTGGCAGGCGAGTAGGGGCTGGCCAGGGAGAAGCCGTCCTCCTC-3'
Protein context (NP_001009944.3, residues 3459-3479): YSPAKSFSAS[Asp3469His]EDLIQQVLAE